The following is an entry in ClinVar:

NM_032793.5(MFSD2A):c.689A>G (p.His230Arg)

Gene: MFSD2A (MFSD2 lysolipid transporter A, lysophospholipid; plus strand). Cytogenetic location: 1p34.2.
Variant type: single nucleotide variant.
Coding change: c.689A>G on transcript NM_032793.5 (MANE Select); coding-DNA position 689, A replaced by G.
Protein change: p.His230Arg; replaces histidine 230 with arginine.
Molecular consequence: missense variant. On other transcripts: non-coding transcript variant (1).
Genome position (GRCh38, 1-based): chr1:39,965,989, A>G. VCF-style: chr1-39965989-A-G. GRCh37 (hg19) VCF-style: chr1-40431661-A-G.
Other names: c.728A>G, p.His243Arg (NM_001136493.3); c.221A>G, p.His74Arg (NM_001287808.2); c.578A>G, p.His193Arg (NM_001287809.2); c.683A>G, p.His228Arg (NM_001349821.2); c.689A>G, p.His230Arg (NM_001349822.2); c.344A>G, p.His115Arg (NM_001349823.2); short protein forms H193R, H228R, H74R, H115R, H230R, H243R.
Identifiers: ClinVar variation 1466690 (VCV001466690.6), dbSNP rs535835616, ClinGen allele CA788734.

ClinVar aggregate classification (germline): Uncertain significance (1 of 4 stars; one submission).

Allele frequency attached by ClinVar (database versions not stated): ExAC 0.00001; gnomAD exomes 0.00001 and 0.00002; gnomAD 0.00005; TOPMed 0.00005; 1000 Genomes Project 30x 0.00016; 1000 Genomes Project 0.00020.
gnomAD v4.1: 21 of 1,614,142 alleles (0.0013%); highest among the groups gnomAD compares: African/African-American, 0.024%; no homozygotes.

Submission:

Labcorp Genetics (formerly Invitae), Labcorp
Classification: Uncertain significance. Last evaluated: 2022-02-28. Review status: criteria provided, single submitter. Criteria: Invitae Variant Classification Sherloc (09022015). Collection method: clinical testing. Allele origin: germline.
Comment: In summary, the available evidence is currently insufficient to determine the role of this variant in disease. Therefore, it has been classified as a Variant of Uncertain Significance. Algorithms developed to predict the effect of missense changes on protein structure and function (SIFT, PolyPhen-2, Align-GVGD) all suggest that this variant is likely to be tolerated. This variant has not been reported in the literature in individuals affected with MFSD2A-related conditions. This variant is present in population databases (rs535835616, gnomAD 0.03%). This sequence change replaces histidine, which is basic and polar, with arginine, which is basic and polar, at codon 243 of the MFSD2A protein (p.His243Arg).